The following is an entry in ClinVar:

ClinVar aggregate classification (germline): Likely pathogenic (1 of 4 stars; one submission).

Conditions:
Cardiovascular phenotype. Identifiers: MedGen CN230736.

Submission:

Ambry Genetics
Classification: Likely pathogenic for Cardiovascular phenotype. Last evaluated: 2019-04-10. Review status: criteria provided, single submitter. Criteria: Ambry Variant Classification Scheme 2023. Collection method: clinical testing. Allele origin: germline.
Comment: The c.33521delG variant, located in coding exon 131 of the TTN gene, results from a deletion of one nucleotide at nucleotide position 33521, causing a translational frameshift with a predicted alternate stop codon (p.G11174Afs*14). This exon is located in the A-band region of the N2-B isoform of the titin protein and is constitutively expressed in TTN transcripts (percent spliced in or PSI 100%). This alteration is expected to result in loss of function by premature protein truncation or nonsense-mediated mRNA decay. While truncating variants in TTN are present in 1-3% of the general population, truncating variants in the A-band are the most common cause of dilated cardiomyopathy (DCM) (Herman DS et al. N. Engl. J. Med., 2012 Feb;366:619-28; Roberts AM et al. Sci Transl Med, 2015 Jan;7:270ra6). TTN truncating variants encoded in constitutive exons (PSI >90%) have been found to be significantly associated with DCM regardless of their position in titin (Schafer S et al. Nat. Genet., 2017 01;49:46-53). As such, this alteration is classified as likely pathogenic.

NM_001267550.2(TTN):c.60716del (p.Gly20239fs)

Genes: TTN (titin; minus strand), TTN-AS1 (TTN antisense RNA 1; plus strand). Cytogenetic location: 2q31.2.
Variant type: Deletion.
Coding change: c.60716del on transcript NM_001267550.2 (MANE Select); coding-DNA position 60716, one base deleted (G; older notation c.60716delG).
Protein change: p.Gly20239fs; shifts the reading frame from glycine 20239.
Molecular consequence: frameshift variant.
Genome position (GRCh38, 1-based): chr2:178,591,009, C deleted on the plus strand (G on the coding strand, the reverse complement: TTN is on the minus strand); the first of 3 consecutive C bases (chr2:178,591,009-178,591,011); deleting any one gives the same sequence. VCF-style (leftmost placement, unchanged base first): chr2-178591008-GC-G. GRCh37 (hg19) VCF-style: chr2-179455735-GC-G.
Other names: c.55793del, p.Gly18598fs (NM_001256850.1); c.33521del, p.Gly11174fs (NM_003319.4); c.53012del, p.Gly17671fs (NM_133378.4); c.33896del, p.Gly11299fs (NM_133432.3); c.34097del, p.Gly11366fs (NM_133437.4); c.33521delG (NM_003319.4); short protein forms G11174fs, G18598fs, G17671fs, G20239fs, G11299fs, G11366fs.
Identifiers: ClinVar variation 1730526 (VCV001730526.2), dbSNP rs2469460047, ClinGen allele CA2580064857.